The following is an entry in ClinVar:

NM_018136.5(ASPM):c.7674C>T (p.Ile2558=)

Gene: ASPM (assembly factor for spindle microtubules; minus strand). Cytogenetic location: 1q31.3.
Variant type: single nucleotide variant.
Coding change: c.7674C>T on transcript NM_018136.5 (MANE Select); coding-DNA position 7674, C replaced by T.
Protein change: p.Ile2558=; no amino-acid change (isoleucine 2558 retained).
Molecular consequence: synonymous variant. On other transcripts: intron variant (1).
Genome position (GRCh38, 1-based): chr1:197,101,577, G>A on the plus strand (C>T on the coding strand, the complement: ASPM is on the minus strand). VCF-style: chr1-197101577-G-A. GRCh37 (hg19) VCF-style: chr1-197070707-G-A.
Other names: p.I2558I:ATC>ATT; c.4066-5413C>T (NM_001206846.2).
Identifiers: ClinVar variation 21604 (VCV000021604.27), dbSNP rs41308365, ClinGen allele CA171254.

ClinVar aggregate classification (germline): Benign. Review status: criteria provided, multiple submitters, no conflicts (2 of 4 stars). 13 submissions from 13 submitters: Benign (9). 4 of the submissions do not count toward it. Last evaluated 2026-02-04.

Conditions:
Microcephaly 5, primary, autosomal recessive (MCPH5). Also called: ASPM Primary Microcephaly. Identifiers: Orphanet 2512, MedGen C1837501, MONDO:0012106, OMIM 608716.

Allele frequency attached by ClinVar (database versions not stated): 1000 Genomes Project 30x 0.21159; 1000 Genomes Project 0.21426; TOPMed 0.28548; ESP Exome Variant Server 0.32172.

Submissions (13):

Labcorp Genetics (formerly Invitae), Labcorp
Classification: Benign. Last evaluated: 2026-02-04. Review status: criteria provided, single submitter. Criteria: Invitae Variant Classification Sherloc (09022015). Collection method: clinical testing. Allele origin: germline.

Blueprint Genetics
Classification: Benign. Last evaluated: 2024-11-26. Review status: criteria provided, single submitter. Criteria: ACMG Guidelines, 2015. Collection method: clinical testing. Allele origin: germline.

Genome-Nilou Lab
Classification: Benign for Microcephaly 5, primary, autosomal recessive. Last evaluated: 2021-07-14. Review status: criteria provided, single submitter. Criteria: ACMG Guidelines, 2015. Collection method: clinical testing. Allele origin: germline. Affected: no.

Illumina Laboratory Services, Illumina
Classification: Benign for Microcephaly 5, primary, autosomal recessive. Last evaluated: 2018-01-13. Review status: criteria provided, single submitter. Criteria: ICSL Variant Classification Criteria 13 December 2019. Collection method: clinical testing. Allele origin: germline.
Comment: This variant was observed in the ICSL laboratory as part of a predisposition screen in an ostensibly healthy population. It had not been previously curated by ICSL or reported in the Human Gene Mutation Database (HGMD: prior to June 1st, 2018), and was therefore a candidate for classification through an automated scoring system. Utilizing variant allele frequency, disease prevalence and penetrance estimates, and inheritance mode, an automated score was calculated to assess if this variant is too frequent to cause the disease. Based on the score and internal cut-off values, a variant classified as benign is not then subjected to further curation. The score for this variant resulted in a classification of benign for this disease.

Athena Diagnostics
Classification: Benign. Last evaluated: 2017-08-02. Review status: criteria provided, single submitter. Criteria: Athena Diagnostics Criteria. Collection method: clinical testing. Allele origin: germline.

GeneDx
Classification: Benign. Last evaluated: 2013-12-18. Review status: criteria provided, single submitter. Criteria: GeneDx Variant Classification (06012015). Collection method: clinical testing. Allele origin: germline. Affected: yes.
Comment: This variant is considered likely benign or benign based on one or more of the following criteria: it is a conservative change, it occurs at a poorly conserved position in the protein, it is predicted to be benign by multiple in silico algorithms, and/or has population frequency not consistent with disease.

Genetic Services Laboratory, University of Chicago
Classification: Benign. Last evaluated: 2013-02-08. Review status: criteria provided, single submitter. Criteria: ACMG Guidelines, 2007. Collection method: clinical testing. Allele origin: germline. Inheritance: Autosomal recessive inheritance.

Breakthrough Genomics
Classification: Benign. Review status: criteria provided, single submitter. Criteria: ACMG Guidelines, 2015. Collection method: not provided. Allele origin: germline. Inheritance: Autosomal recessive inheritance. Affected: yes.

PreventionGenetics, part of Exact Sciences
Classification: Benign. Review status: criteria provided, single submitter. Criteria: ACMG Guidelines, 2015. Collection method: clinical testing. Allele origin: germline.

Clinical Genetics DNA and cytogenetics Diagnostics Lab, Erasmus MC, Erasmus Medical Center
Classification: Benign. Review status: no assertion criteria provided. Collection method: clinical testing. Allele origin: germline. Affected: yes. Study: VKGL Data-share Consensus. Not counted in ClinVar's aggregate classification.

Diagnostic Laboratory, Department of Genetics, University Medical Center Groningen
Classification: Benign for Microcephaly 5, primary, autosomal recessive. Review status: no assertion criteria provided. Collection method: clinical testing. Allele origin: germline. Affected: yes. Study: VKGL Data-share Consensus. Not counted in ClinVar's aggregate classification.

GeneReviews
No classification provided. Condition: Microcephaly 5, primary, autosomal recessive. Review status: no classification provided. Collection method: literature only. Allele origin: unknown. Not counted in ClinVar's aggregate classification.

Joint Genome Diagnostic Labs from Nijmegen and Maastricht, Radboudumc and MUMC+
Classification: Benign. Review status: no assertion criteria provided. Collection method: clinical testing. Allele origin: germline. Affected: yes. Study: VKGL Data-share Consensus. Not counted in ClinVar's aggregate classification.

Literature cited by the submitters: PubMed 20301772 (cited by GeneReviews); NCBI Bookshelf NBK9587 (cited by GeneReviews).